The following is an entry in ClinVar:

NM_012470.4(TNPO3):c.53T>C (p.Leu18Pro)

Genes: TNPO3 (transportin 3; minus strand), LOC129999289 (ATAC-STARR-seq lymphoblastoid active region 26616; plus strand). Cytogenetic location: 7q32.1.
Variant type: single nucleotide variant.
Coding change: c.53T>C on transcript NM_012470.4 (MANE Select); coding-DNA position 53, T replaced by C.
Protein change: p.Leu18Pro; replaces leucine 18 with proline.
Molecular consequence: missense variant. On other transcripts: non-coding transcript variant (18).
Genome position (GRCh38, 1-based): chr7:129,054,718, A>G on the plus strand (T>C on the coding strand, the complement: TNPO3 is on the minus strand). VCF-style: chr7-129054718-A-G. GRCh37 (hg19) VCF-style: chr7-128694772-A-G.
Other names: c.53T>C (NM_012470.3); c.53T>C, p.Leu18Pro (NM_001191028.3, NM_001382216.1, NM_001382217.1 and 6 more transcripts); short protein forms L18P.
Identifiers: ClinVar variation 2836789 (VCV002836789.4), dbSNP rs2150586159, ClinGen allele CA369229680.
Genomic context (GRCh38, chr7:129,054,718, plus strand): 5'-TGCAGCTCCCCAAGCCAAAAAGAGGCGCGCTCCTTTCCGCTGGGATCTGGGTCGTGGTAA[A>G]GCGCCTGCACTGCCTGGTACACGAGCTGCAATGTCGGCTTTGCTCCTTCCATGGTGGTGG-3'
Protein context (NP_036602.1, residues 8-28): LQLVYQAVQA[Leu18Pro]YHDPDPSGKE

ClinVar aggregate classification (germline): Uncertain significance. Review status: criteria provided, multiple submitters, no conflicts (2 of 4 stars). 2 submissions from 2 submitters: Uncertain significance (2). Last evaluated 2025-01-17.

Conditions:
Inborn genetic diseases. Identifiers: MedGen C0950123, MeSH D030342.
Autosomal dominant limb-girdle muscular dystrophy type 1F (LGMDD2). Also called: Limb-girdle muscular dystrophy, type 1F; MUSCULAR DYSTROPHY, LIMB-GIRDLE, AUTOSOMAL DOMINANT 2. Identifiers: Orphanet 55595, MedGen C1842062, MONDO:0012034, OMIM 608423.

Submissions (2):

Ambry Genetics
Classification: Uncertain significance for Inborn genetic diseases. Last evaluated: 2025-01-17. Review status: criteria provided, single submitter. Criteria: Ambry Variant Classification Scheme 2023. Collection method: clinical testing. Allele origin: germline.

Labcorp Genetics (formerly Invitae), Labcorp
Classification: Uncertain significance for Autosomal dominant limb-girdle muscular dystrophy type 1F. Last evaluated: 2023-09-08. Review status: criteria provided, single submitter. Criteria: Invitae Variant Classification Sherloc (09022015). Collection method: clinical testing. Allele origin: germline.
Comment: This sequence change replaces leucine, which is neutral and non-polar, with proline, which is neutral and non-polar, at codon 18 of the TNPO3 protein (p.Leu18Pro). This variant is not present in population databases (gnomAD no frequency). In summary, the available evidence is currently insufficient to determine the role of this variant in disease. Therefore, it has been classified as a Variant of Uncertain Significance. Advanced modeling of protein sequence and biophysical properties (such as structural, functional, and spatial information, amino acid conservation, physicochemical variation, residue mobility, and thermodynamic stability) performed at Invitae indicates that this missense variant is expected to disrupt TNPO3 protein function. This variant has not been reported in the literature in individuals affected with TNPO3-related conditions.